The following is an entry in ClinVar:

ClinVar aggregate classification (germline): Uncertain significance (1 of 4 stars; one submission).

Conditions:
Adams-Oliver syndrome 5 (AOS5). Identifiers: Orphanet 974, MedGen C4014970, MONDO:0014459, OMIM 616028.

Submission:

Labcorp Genetics (formerly Invitae), Labcorp
Classification: Uncertain significance for Adams-Oliver syndrome 5. Last evaluated: 2017-01-26. Review status: criteria provided, single submitter. Criteria: Invitae Variant Classification Sherloc (09022015). Collection method: clinical testing. Allele origin: germline.
Comment: Algorithms developed to predict the effect of missense changes on protein structure and function (SIFT, PolyPhen-2, Align-GVGD) all suggest that this variant is likely to be tolerated, but these predictions have not been confirmed by published functional studies. In summary, this variant is a novel missense change that is not predicted to affect protein function. There is no indication that it causes disease, but the available evidence is currently insufficient to prove that conclusively. Therefore, it has been classified as a Variant of Uncertain Significance. While this variant is not present in population databases, the frequency information is unreliable, as metrics indicate poor data quality at this position in the ExAC database. This variant has not been reported in the literature in individuals with a NOTCH1-related disease. This sequence change replaces proline with leucine at codon 7 of the NOTCH1 protein (p.Pro7Leu). The proline residue is moderately conserved and there is a moderate physicochemical difference between proline and leucine.

NM_017617.5(NOTCH1):c.20C>T (p.Pro7Leu)

Genes: NOTCH1 (notch receptor 1; minus strand), LOC130003020 (ATAC-STARR-seq lymphoblastoid silent region 20528; plus strand). Cytogenetic location: 9q34.3.
Variant type: single nucleotide variant.
Coding change: c.20C>T on transcript NM_017617.5 (MANE Select); coding-DNA position 20, C replaced by T.
Protein change: p.Pro7Leu; replaces proline 7 with leucine.
Molecular consequence: missense variant.
Genome position (GRCh38, 1-based): chr9:136,545,767, G>A on the plus strand (C>T on the coding strand, the complement: NOTCH1 is on the minus strand). VCF-style: chr9-136545767-G-A. GRCh37 (hg19) VCF-style: chr9-139440219-G-A.
Other names: c.20C>T, p.Pro7Leu (LRG_1122t1); short protein forms P7L.
Identifiers: ClinVar variation 477889 (VCV000477889.9), dbSNP rs1554733804, ClinGen allele CA375579881.